The following is an entry in ClinVar:

NM_000138.5(FBN1):c.4943-13C>T

Gene: FBN1 (fibrillin 1; minus strand). Cytogenetic location: 15q21.1.
Variant type: single nucleotide variant.
Coding change: c.4943-13C>T on transcript NM_000138.5 (MANE Select); 13 bases into the intron before coding-DNA position 4943, C replaced by T.
Molecular consequence: intron variant.
Genome position (GRCh38, 1-based): chr15:48,464,034, G>A on the plus strand (C>T on the coding strand, the complement: FBN1 is on the minus strand). VCF-style: chr15-48464034-G-A. GRCh37 (hg19) VCF-style: chr15-48756231-G-A.
Other names: c.4943-13C>T (NM_001406716.1).
Identifiers: ClinVar variation 2937227 (VCV002937227.4), dbSNP rs2505493576, ClinGen allele CA2740096583.
Genomic context (GRCh38, chr15:48,464,034, plus strand): 5'-AACATGTCCCTGGACCACAGATTCCAGGAGTCTCACATTCATTCACATCTATAATCCAAA[G>A]AGAAAGTGGTATGTGAATATGAAAACTTCACATTTTGGAATGGCCTGATACTTAATGAAT-3'

ClinVar aggregate classification (germline): Likely benign. Review status: criteria provided, multiple submitters, no conflicts (2 of 4 stars). 2 submissions from 2 submitters: Likely benign (2). Last evaluated 2025-04-02.

Conditions:
Marfan syndrome (MFS). Also called: MARFAN SYNDROME, TYPE I; Marfan syndrome type 1; Marfan's syndrome; Marfan syndrome, classic; FBN1-Related Marfan Syndrome. Identifiers: Orphanet 284963, Orphanet 558, MedGen C0024796, MONDO:0007947, OMIM 154700.
Familial thoracic aortic aneurysm and aortic dissection (TAAD). Also called: Thoracic aortic aneurysms and dissections. Identifiers: Orphanet 91387, MedGen C4707243, MONDO:0019625.

Submissions (2):

Labcorp Genetics (formerly Invitae), Labcorp
Classification: Likely benign for Marfan syndrome; Familial thoracic aortic aneurysm and aortic dissection. Last evaluated: 2025-04-02. Review status: criteria provided, single submitter. Criteria: Invitae Variant Classification Sherloc (09022015). Collection method: clinical testing. Allele origin: germline.

All of Us Research Program, National Institutes of Health
Classification: Likely benign for Marfan syndrome. Last evaluated: 2023-06-26. Review status: criteria provided, single submitter. Criteria: ACMG Guidelines, 2015. Collection method: clinical testing. Allele origin: germline. Inheritance: Autosomal dominant inheritance. Observed: 1 variant allele, 1 heterozygote.
Comment: This study involves interpretation of variants in research participants for the purpose of population health screening. Participant phenotype was not available at the time of variant classification. Additional details can be found in publication PMID: 35346344, PMCID: PMC8962531